The following is an entry in ClinVar:

ClinVar aggregate classification (germline): Likely pathogenic (1 of 4 stars; one submission).

Conditions:
Stargardt disease (FFM). Also called: Stargardt's disease; Fundus flavimaculatus. Identifiers: Orphanet 827, MedGen C0271093, MONDO:0019353.

Submission:

Victorian Clinical Genetics Services, Murdoch Childrens Research Institute
Classification: Likely pathogenic for Stargardt disease. Last evaluated: 2021-05-06. Review status: criteria provided, single submitter. Criteria: ACMG Guidelines, 2015. Collection method: clinical testing. Allele origin: germline. Inheritance: Autosomal recessive inheritance.
Comment: Based on the classification scheme VCGS_Germline_v1.3.4, this variant is classified as likely pathogenic. Following criteria are met: 0102 - Loss of function is a known mechanism of disease in this gene and is associated with Stargardt disease (MIM #248200), fundus flavimaculatus (MIM #248200), early-onset severe retinal dystrophy (MIM #248200) and retinitis pigmentosa 19 (MIM #601718). (I) 0106 - This gene is associated with autosomal recessive disease. (I) 0115 - Variants in this gene are known to have variable expressivity (PMID: 31522899). (I) 0211 - Canonical splice site variant without proven consequence on splicing (no functional evidence available). (SP) 0251 - This variant is heterozygous. (I) 0301 - Variant is absent from gnomAD (both v2 and v3). (SP) 0311 - An alternative nucleotide change at the same canonical splice site is present in gnomAD (v3) at a frequency of <0.001 (1 heterozygote, 0 homozygotes). (SB) 0505 - Abnormal splicing is predicted by in silico tools and affected nucleotide is highly conserved. Predicted to trigger nonsense-mediated decay (NMD) due to skipping of (out-of-frame) exon 5. (SP) 0705 - No comparable splice site variants have previous evidence for pathogenicity. (I) 0807 - This variant has no previous evidence of pathogenicity. (I) 0905 - No published segregation evidence has been identified for this variant. (I) 1007 - No published functional evidence has been identified for this variant. (I) Legend: (SP) - Supporting pathogenic, (I) - Information, (SB) - Supporting benign

Literature cited by the submitters: PubMed 31522899.

NM_000350.3(ABCA4):c.443-2A>G

Gene: ABCA4 (ATP binding cassette subfamily A member 4; minus strand). Cytogenetic location: 1p22.1.
Variant type: single nucleotide variant.
Coding change: c.443-2A>G on transcript NM_000350.3 (MANE Select); the canonical splice acceptor site of the intron before coding-DNA position 443, A replaced by G.
Molecular consequence: splice acceptor variant.
Genome position (GRCh38, 1-based): chr1:94,103,144, T>C on the plus strand (A>G on the coding strand, the complement: ABCA4 is on the minus strand). VCF-style: chr1-94103144-T-C. GRCh37 (hg19) VCF-style: chr1-94568700-T-C.
Identifiers: ClinVar variation 1805342 (VCV001805342.1), dbSNP rs2523980607, ClinGen allele CA341291472.